The following is an entry in ClinVar:

NM_001379029.1(CERT1):c.1104C>A (p.Val368=)

Gene: CERT1 (ceramide transporter 1; minus strand). Cytogenetic location: 5q13.3.
Variant type: single nucleotide variant.
Coding change: c.1104C>A on transcript NM_001379029.1 (MANE Select); coding-DNA position 1104, C replaced by A.
Protein change: p.Val368=; no amino-acid change (valine 368 retained).
Molecular consequence: synonymous variant.
Genome position (GRCh38, 1-based): chr5:75,400,211, G>T on the plus strand (C>A on the coding strand, the complement: CERT1 is on the minus strand). VCF-style: chr5-75400211-G-T. GRCh37 (hg19) VCF-style: chr5-74696036-G-T.
Other names: c.1488C>A, p.Val496= (NM_001130105.1); c.1104C>A, p.Val368= (NM_001379002.1, NM_001379003.1, NM_001379004.1 and 2 more transcripts).
Identifiers: ClinVar variation 741908 (VCV000741908.29), dbSNP rs564849044, ClinGen allele CA3309118.
Genomic context (GRCh38, chr5:75,400,211, plus strand): 5'-AACAATGAAGAACAATACAAGGTGTACTTTTAGTAAACTCTGACATTAGCTTACCTTTTG[G>T]ACAAATCTATGTGTCCCCACAGAAGAAAAGGCATCTCCAGAGGGCAAGGATGTAGGCCAA-3'
Protein context (NP_001365958.1, residues 358-378): AFSSVGTHRF[Val368=]QKPYSRSSSM

ClinVar aggregate classification (germline): Benign/Likely benign. Review status: criteria provided, multiple submitters, no conflicts (2 of 4 stars). 3 submissions from 3 submitters: Benign (1); Likely benign (2). Last evaluated 2024-10-23.

Allele frequency attached by ClinVar (database versions not stated): TOPMed 0.00003; ExAC 0.00061; 1000 Genomes Project 0.00100; 1000 Genomes Project 30x 0.00141.
gnomAD v4.1: 424 of 1,606,016 alleles (0.026%); highest among the groups gnomAD compares: South Asian, 0.45%; 3 homozygotes.

Submissions (3):

Blueprint Genetics
Classification: Likely benign. Last evaluated: 2024-10-23. Review status: criteria provided, single submitter. Criteria: ACMG Guidelines, 2015. Collection method: clinical testing. Allele origin: germline.

CeGaT Center for Human Genetics Tuebingen
Classification: Likely benign. Last evaluated: 2023-09-01. Review status: criteria provided, single submitter. Criteria: CeGaT Center For Human Genetics Tuebingen Variant Classification Criteria Version 2. Collection method: clinical testing. Allele origin: germline. Affected: yes. Observed: 1 variant allele.
Comment: CERT1: BP4, BP7

Labcorp Genetics (formerly Invitae), Labcorp
Classification: Benign. Last evaluated: 2019-12-31. Review status: criteria provided, single submitter. Criteria: Invitae Variant Classification Sherloc (09022015). Collection method: clinical testing. Allele origin: germline.